The following is an entry in ClinVar:

NM_000051.4(ATM):c.7486G>A (p.Gly2496Arg)

Genes: C11orf65 (chromosome 11 open reading frame 65; minus strand), ATM (ATM serine/threonine kinase; plus strand). Cytogenetic location: 11q22.3.
Variant type: single nucleotide variant.
Coding change: c.7486G>A on transcript NM_000051.4 (MANE Select); coding-DNA position 7486, G replaced by A.
Protein change: p.Gly2496Arg; replaces glycine 2496 with arginine.
Molecular consequence: missense variant. On other transcripts: intron variant (2).
Genome position (GRCh38, 1-based): chr11:108,330,392, G>A. VCF-style: chr11-108330392-G-A. GRCh37 (hg19) VCF-style: chr11-108201119-G-A.
Other names: c.7486G>A, p.Gly2496Arg (NM_001351834.2); c.641-21321C>T (NM_001330368.2); c.*38+4828C>T (NM_001351110.2); short protein forms G2496R.
Identifiers: ClinVar variation 942217 (VCV000942217.10), dbSNP rs1565530187, ClinGen allele CA382560505.
Genomic context (GRCh38, chr11:108,330,392, plus strand): 5'-AGTGGAGAAGAACATGATATGTGGGTATTCCGACTTTGTTCCCTCTGGCTTGAAAATTCT[G>A]GAGTTTCTGAAGTCAATGGCATGATGAAGGCAAGTGTTACTCAGCCCAATATTCTACCCT-3'
Protein context (NP_000042.3, residues 2486-2506): RLCSLWLENS[Gly2496Arg]VSEVNGMMKR

ClinVar aggregate classification (germline): Uncertain significance (1 of 4 stars; one submission).

Conditions:
Ataxia-telangiectasia syndrome (AT). Also called: Ataxia-telangiectasia, complementation group D; AT, COMPLEMENTATION GROUP C; ATAXIA-TELANGIECTASIA, COMPLEMENTATION GROUP A; ATAXIA-TELANGIECTASIA, FRESNO VARIANT; Ataxia-telangiectasia; Ataxia telangiectasia (A-T). Identifiers: Orphanet 100, MedGen C0004135, MONDO:0008840, OMIM 208900.

Submission:

Labcorp Genetics (formerly Invitae), Labcorp
Classification: Uncertain significance for Ataxia-telangiectasia syndrome. Last evaluated: 2020-09-08. Review status: criteria provided, single submitter. Criteria: Invitae Variant Classification Sherloc (09022015). Collection method: clinical testing. Allele origin: germline.
Comment: Algorithms developed to predict the effect of missense changes on protein structure and function (SIFT, PolyPhen-2, Align-GVGD) all suggest that this variant is likely to be tolerated, but these predictions have not been confirmed by published functional studies and their clinical significance is uncertain. In summary, the available evidence is currently insufficient to determine the role of this variant in disease. Therefore, it has been classified as a Variant of Uncertain Significance. Algorithms developed to predict the effect of sequence changes on RNA splicing suggest that this variant may create or strengthen a splice site, but this prediction has not been confirmed by published transcriptional studies. This variant has not been reported in the literature in individuals with ATM-related conditions. This variant is not present in population databases (ExAC no frequency). This sequence change replaces glycine with arginine at codon 2496 of the ATM protein (p.Gly2496Arg). The glycine residue is weakly conserved and there is a moderate physicochemical difference between glycine and arginine.